The following is an entry in ClinVar:

ClinVar aggregate classification (germline): Uncertain significance. Review status: criteria provided, single submitter (1 of 4 stars). 2 submissions from 2 submitters: Uncertain significance (1). 1 of the submissions does not count toward it.

Conditions:
Smith-Magenis syndrome (SMS). Also called: CHROMOSOME 17p11.2 DELETION SYNDROME. Identifiers: Orphanet 819, MedGen C0795864, MONDO:0008434, OMIM 182290.

Submissions (2):

Juno Genomics, Hangzhou Juno Genomics, Inc
Classification: Uncertain significance for Smith-Magenis syndrome. Review status: criteria provided, single submitter. Criteria: ACMG Guidelines, 2015. Collection method: clinical testing. Allele origin: germline.
Comment: Absent from controls (or at extremely low frequency if recessive) in Genome Aggregation Database.

OMIM
Classification: Pathogenic for SMITH-MAGENIS SYNDROME. Last evaluated: 2012-06-08. Review status: no assertion criteria provided. Collection method: literature only. Allele origin: germline. Not counted in ClinVar's aggregate classification.

Literature cited by the submitters: PubMed 15788730 (cited by OMIM); PubMed 22578325 (cited by OMIM).

NM_030665.4(RAI1):c.4685A>G (p.Gln1562Arg)

Gene: RAI1 (retinoic acid induced 1; plus strand). Cytogenetic location: 17p11.2.
Variant type: single nucleotide variant.
Coding change: c.4685A>G on transcript NM_030665.4 (MANE Select); coding-DNA position 4685, A replaced by G.
Protein change: p.Gln1562Arg; replaces glutamine 1562 with arginine.
Molecular consequence: missense variant.
Genome position (GRCh38, 1-based): chr17:17,797,633, A>G. VCF-style: chr17-17797633-A-G. GRCh37 (hg19) VCF-style: chr17-17700947-A-G.
Other names: short protein forms Q1562R.
Identifiers: ClinVar variation 2950 (VCV000002950.3), dbSNP rs104894634, ClinGen allele CA252494.